The following is an entry in ClinVar:

NM_003982.4(SLC7A7):c.740A>G (p.Tyr247Cys)

Gene: SLC7A7 (solute carrier family 7 member 7; minus strand). Cytogenetic location: 14q11.2.
Variant type: single nucleotide variant.
Coding change: c.740A>G on transcript NM_003982.4 (MANE Select); coding-DNA position 740, A replaced by G.
Protein change: p.Tyr247Cys; replaces tyrosine 247 with cysteine.
Molecular consequence: missense variant.
Genome position (GRCh38, 1-based): chr14:22,778,823, T>C on the plus strand (A>G on the coding strand, the complement: SLC7A7 is on the minus strand). VCF-style: chr14-22778823-T-C. GRCh37 (hg19) VCF-style: chr14-23248032-T-C.
Other names: c.740A>G, p.Tyr247Cys (NM_001126105.3, NM_001126106.4); short protein forms Y247C.
Identifiers: ClinVar variation 1047177 (VCV001047177.4), dbSNP rs765105909, ClinGen allele CA7104614.
Genomic context (GRCh38, chr14:22,778,823, plus strand): 5'-GCTATGGAAAGTTGGTGGTGCAGTACCTACCTCTCAGGATTCTTGATCTCTTCAGTGACA[T>C]AGTTGAGGGTGTCCCAGCCTGAGTAGGAGAACAGAGCTGAGTACAGTGCCAGGGCAATGT-3'
Protein context (NP_003973.3, residues 237-257): FSYSGWDTLN[Tyr247Cys]VTEEIKNPER

ClinVar aggregate classification (germline): Uncertain significance (1 of 4 stars; one submission).

Conditions:
Lysinuric protein intolerance (LPI). Identifiers: Orphanet 470, MedGen C0268647, MONDO:0009109, OMIM 222700.

Allele frequency attached by ClinVar (database versions not stated): gnomAD exomes below 0.00001 and 0.00001; TOPMed below 0.00001; gnomAD 0.00001; ExAC 0.00002.
gnomAD v4.1: 4 of 1,614,056 alleles (0.00025%); highest among the groups gnomAD compares: African/African-American, 0.0013%; no homozygotes.

Submission:

Labcorp Genetics (formerly Invitae), Labcorp
Classification: Uncertain significance for Lysinuric protein intolerance. Last evaluated: 2022-02-08. Review status: criteria provided, single submitter. Criteria: Invitae Variant Classification Sherloc (09022015). Collection method: clinical testing. Allele origin: germline.
Comment: This sequence change replaces tyrosine, which is neutral and polar, with cysteine, which is neutral and slightly polar, at codon 247 of the SLC7A7 protein (p.Tyr247Cys). This variant is present in population databases (rs765105909, gnomAD 0.002%). This variant has not been reported in the literature in individuals affected with SLC7A7-related conditions. ClinVar contains an entry for this variant (Variation ID: 1047177). Algorithms developed to predict the effect of missense changes on protein structure and function are either unavailable or do not agree on the potential impact of this missense change (SIFT: "Deleterious"; PolyPhen-2: "Probably Damaging"; Align-GVGD: "Class C15"). In summary, the available evidence is currently insufficient to determine the role of this variant in disease. Therefore, it has been classified as a Variant of Uncertain Significance.